The following is an entry in ClinVar:

ClinVar aggregate classification (germline): Likely benign. Review status: criteria provided, multiple submitters, no conflicts (2 of 4 stars). 3 submissions from 3 submitters: Likely benign (2). 1 of the submissions does not count toward it. Last evaluated 2025-08-07.

Conditions:
RNASEH2C-related disorder. Also called: RNASEH2C-related condition.
Aicardi-Goutieres syndrome 3. Identifiers: Orphanet 51, MedGen C1835916, MONDO:0012471, OMIM 610329.

Allele frequency attached by ClinVar (database versions not stated): TOPMed 0.00002.
gnomAD v4.1: 66 of 1,613,172 alleles (0.0041%); highest among the groups gnomAD compares: South Asian, 0.0066%; no homozygotes.

Submissions (3):

Labcorp Genetics (formerly Invitae), Labcorp
Classification: Likely benign for Aicardi-Goutieres syndrome 3. Last evaluated: 2025-08-07. Review status: criteria provided, single submitter. Criteria: Invitae Variant Classification Sherloc (09022015). Collection method: clinical testing. Allele origin: germline.

Blueprint Genetics
Classification: Likely benign. Last evaluated: 2024-10-31. Review status: criteria provided, single submitter. Criteria: ACMG Guidelines, 2015. Collection method: clinical testing. Allele origin: germline.

PreventionGenetics, part of Exact Sciences
Classification: Likely benign for RNASEH2C-related condition. Last evaluated: 2021-09-10. Review status: no assertion criteria provided. Collection method: clinical testing. Allele origin: germline. Not counted in ClinVar's aggregate classification.
Comment: This variant is classified as likely benign based on ACMG/AMP sequence variant interpretation guidelines (Richards et al. 2015 PMID: 25741868, with internal and published modifications).

NM_032193.4(RNASEH2C):c.468+8G>C

Gene: RNASEH2C (ribonuclease H2 subunit C; minus strand). Cytogenetic location: 11q13.1.
Variant type: single nucleotide variant.
Coding change: c.468+8G>C on transcript NM_032193.4 (MANE Select); 8 bases into the intron after coding-DNA position 468, G replaced by C.
Molecular consequence: intron variant.
Genome position (GRCh38, 1-based): chr11:65,720,037, C>G on the plus strand (G>C on the coding strand, the complement: RNASEH2C is on the minus strand). VCF-style: chr11-65720037-C-G. GRCh37 (hg19) VCF-style: chr11-65487508-C-G.
Identifiers: ClinVar variation 755328 (VCV000755328.12), dbSNP rs751767695, ClinGen allele CA6107674.
Genomic context (GRCh38, chr11:65,720,037, plus strand): 5'-TCCGTCTGCGCAATTGTGCTCCCCAGCCCATCCACCCGGGGGCAAGACGGAACTCCTCGT[C>G]TACTCACCGCTGCCGCAAGGCTGGGCCAAGTTAAGGCCCCACGCACTTTGGCATCCGGGC-3'